The following is an entry in ClinVar:

ClinVar aggregate classification (germline): Uncertain significance. Review status: criteria provided, multiple submitters, no conflicts (2 of 4 stars). 2 submissions from 2 submitters: Uncertain significance (2). Last evaluated 2025-06-07.

Conditions:
Hereditary cancer-predisposing syndrome. Also called: Hereditary neoplastic syndrome; Neoplastic Syndromes, Hereditary; Tumor predisposition; Hereditary Cancer Syndrome. Identifiers: Orphanet 140162, MedGen C0027672, MeSH D009386, MONDO:0015356.
Tuberous sclerosis 1 (TSC1). Identifiers: Orphanet 805, MedGen C1854465, MONDO:0008612, OMIM 191100.

Allele frequency attached by ClinVar (database versions not stated): gnomAD below 0.00001 and 0.00001; gnomAD exomes below 0.00001.

Submissions (2):

Ambry Genetics
Classification: Uncertain significance for Hereditary cancer-predisposing syndrome. Last evaluated: 2025-06-07. Review status: criteria provided, single submitter. Criteria: Ambry Variant Classification Scheme 2023. Collection method: clinical testing. Allele origin: germline.
Comment: The p.H179Y variant (also known as c.535C>T), located in coding exon 5 of the TSC1 gene, results from a C to T substitution at nucleotide position 535. The histidine at codon 179 is replaced by tyrosine, an amino acid with similar properties. This amino acid position is highly conserved in available vertebrate species. In addition, this alteration is predicted to be deleterious by in silico analysis. Based on the available evidence, the clinical significance of this variant remains unclear.

Labcorp Genetics (formerly Invitae), Labcorp
Classification: Uncertain significance for Tuberous sclerosis 1. Last evaluated: 2025-05-07. Review status: criteria provided, single submitter. Criteria: Invitae Variant Classification Sherloc (09022015). Collection method: clinical testing. Allele origin: germline.
Comment: This sequence change replaces histidine, which is basic and polar, with tyrosine, which is neutral and polar, at codon 179 of the TSC1 protein (p.His179Tyr). This variant is not present in population databases (gnomAD no frequency). This variant has not been reported in the literature in individuals affected with TSC1-related conditions. ClinVar contains an entry for this variant (Variation ID: 1002200). Invitae Evidence Modeling of protein sequence and biophysical properties (such as structural, functional, and spatial information, amino acid conservation, physicochemical variation, residue mobility, and thermodynamic stability) has been performed for this missense variant. However, the output from this modeling did not meet the statistical confidence thresholds required to predict the impact of this variant on TSC1 protein function. In summary, the available evidence is currently insufficient to determine the role of this variant in disease. Therefore, it has been classified as a Variant of Uncertain Significance.

NM_000368.5(TSC1):c.535C>T (p.His179Tyr)

Gene: TSC1 (TSC complex subunit 1; minus strand). Cytogenetic location: 9q34.13.
Variant type: single nucleotide variant.
Coding change: c.535C>T on transcript NM_000368.5 (MANE Select); coding-DNA position 535, C replaced by T.
Protein change: p.His179Tyr; replaces histidine 179 with tyrosine.
Molecular consequence: missense variant.
Genome position (GRCh38, 1-based): chr9:132,921,947, G>A on the plus strand (C>T on the coding strand, the complement: TSC1 is on the minus strand). VCF-style: chr9-132921947-G-A. GRCh37 (hg19) VCF-style: chr9-135797334-G-A.
Other names: c.535C>T (NM_000368.4); c.535C>T, p.His179Tyr (NM_001162426.2); c.382C>T, p.His128Tyr (NM_001162427.2); c.172C>T, p.His58Tyr (NM_001362177.2); short protein forms H128Y, H179Y, H58Y.
Identifiers: ClinVar variation 1002200 (VCV001002200.9), dbSNP rs1846589515, ClinGen allele CA375372843.